The following is an entry in ClinVar:

ClinVar aggregate classification (germline): Benign (1 of 4 stars; one submission).

Conditions:
Lynch syndrome 4 (LYNCH4). Also called: Colorectal cancer, hereditary nonpolyposis, type 4; Hereditary non-polyposis colorectal cancer, type 4. Identifiers: Orphanet 144, MedGen C1838333, MONDO:0013699, OMIM 614337. Disease mechanism: loss of function.

Submission:

Myriad Genetics, Inc.
Classification: Benign for Lynch syndrome 4. Last evaluated: 2025-01-31. Review status: criteria provided, single submitter. Criteria: Myriad Autosomal Dominant, Autosomal Recessive and X-Linked Classification Criteria (2023). Collection method: clinical testing. Allele origin: unknown.
Comment: This variant is considered benign. This variant is a silent/synonymous amino acid change and it is not expected to impact splicing.

NM_000535.7(PMS2):c.1752T>C (p.Ile584=)

Gene: PMS2 (PMS1 homolog 2, mismatch repair system component; minus strand). Cytogenetic location: 7p22.1.
Variant type: single nucleotide variant.
Coding change: c.1752T>C on transcript NM_000535.7 (MANE Select); coding-DNA position 1752, T replaced by C.
Protein change: p.Ile584=; no amino-acid change (isoleucine 584 retained).
Molecular consequence: synonymous variant. On other transcripts: non-coding transcript variant (1), intron variant (1).
Genome position (GRCh38, 1-based): chr7:5,987,013, A>G on the plus strand (T>C on the coding strand, the complement: PMS2 is on the minus strand). VCF-style: chr7-5987013-A-G. GRCh37 (hg19) VCF-style: chr7-6026644-A-G.
Other names: c.1347T>C, p.Ile449= (NM_001406896.1, NM_001406897.1, NM_001406898.1 and 16 more transcripts); c.1287T>C, p.Ile429= (NM_001406900.1); c.1278T>C, p.Ile426= (NM_001406901.1, NM_001406902.1); c.1434T>C, p.Ile478= (NM_001406903.1, NM_001322007.2, NM_001322008.2 and 2 more transcripts); c.1239T>C, p.Ile413= (NM_001406904.1, NM_001406905.1); c.1191T>C, p.Ile397= (NM_001406906.1, NM_001406907.1, NM_001322010.2); c.1179T>C, p.Ile393= (NM_001406909.1, NM_001322013.2); c.981T>C, p.Ile327= (NM_001406911.1); and 13 more.
Identifiers: ClinVar variation 3903472 (VCV003903472.1).